The following is an entry in ClinVar:

NM_001723.7(DST):c.6494T>C (p.Met2165Thr)

Gene: DST (dystonin; minus strand). Cytogenetic location: 6p12.1.
Variant type: single nucleotide variant.
Coding change: c.6494T>C on transcript NM_001723.7 (MANE Plus Clinical); coding-DNA position 6494, T replaced by C.
Protein change: p.Met2165Thr; replaces methionine 2165 with threonine.
Molecular consequence: missense variant. On other transcripts: intron variant (10).
Genome position (GRCh38, 1-based): chr6:56,616,973, A>G on the plus strand (T>C on the coding strand, the complement: DST is on the minus strand). VCF-style: chr6-56616973-A-G. GRCh37 (hg19) VCF-style: chr6-56481771-A-G.
Other names: c.4831-2489T>C (NM_001144769.5); c.4930-2489T>C (NM_001374722.1, NM_001374736.1); c.4957-2489T>C (NM_001374734.1); c.4417-2489T>C (NM_001144770.2); c.4297-2489T>C (NM_001374730.1, NM_001386100.1, NM_183380.4 and 1 more transcripts); c.3319-2489T>C (NM_015548.5); short protein forms M2165T.
Identifiers: ClinVar variation 1418487 (VCV001418487.6), dbSNP rs779214947, ClinGen allele CA3870149.

ClinVar aggregate classification (germline): Uncertain significance (1 of 4 stars; one submission).

Conditions:
Hereditary sensory and autonomic neuropathy type 6. Also called: HSAN VI; Neuropathy, hereditary sensory and autonomic, type VI. Identifiers: Orphanet 314381, MedGen C3539003, MONDO:0013839, OMIM 614653.
Epidermolysis bullosa simplex 3, localized or generalized intermediate, with BP230 deficiency (EBS3). Also called: Epidermolysis bullosa simplex, autosomal recessive 2; Epidermolysis bullosa simplex due to BP230 deficiency. Identifiers: Orphanet 412181, MedGen C3809470, MONDO:0014180, OMIM 615425.

Allele frequency attached by ClinVar (database versions not stated): TOPMed below 0.00001; gnomAD 0.00001; gnomAD exomes 0.00002; ExAC 0.00003.
gnomAD v4.1: 12 of 1,605,518 alleles (0.00075%); highest among the groups gnomAD compares: Non-Finnish European, 0.00094%; no homozygotes.

Submission:

Labcorp Genetics (formerly Invitae), Labcorp
Classification: Uncertain significance for Epidermolysis bullosa simplex 3, localized or generalized intermediate, with BP230 deficiency; Hereditary sensory and autonomic neuropathy type 6. Last evaluated: 2021-08-02. Review status: criteria provided, single submitter. Criteria: Invitae Variant Classification Sherloc (09022015). Collection method: clinical testing. Allele origin: germline.
Comment: This sequence change replaces methionine with threonine at codon 2165 of the DST protein (p.Met2165Thr). The methionine residue is highly conserved and there is a moderate physicochemical difference between methionine and threonine. This variant is present in population databases (rs779214947, ExAC 0.006%). This variant has not been reported in the literature in individuals affected with DST-related conditions. Algorithms developed to predict the effect of missense changes on protein structure and function are either unavailable or do not agree on the potential impact of this missense change (SIFT: "Deleterious"; PolyPhen-2: "Benign"; Align-GVGD: "Class C65"). In summary, the available evidence is currently insufficient to determine the role of this variant in disease. Therefore, it has been classified as a Variant of Uncertain Significance.